The following is an entry in ClinVar:

NM_000059.4(BRCA2):c.3832C>G (p.His1278Asp)

Gene: BRCA2 (BRCA2 DNA repair associated; plus strand). Cytogenetic location: 13q13.1.
Variant type: single nucleotide variant.
Coding change: c.3832C>G on transcript NM_000059.4 (MANE Select); coding-DNA position 3832, C replaced by G.
Protein change: p.His1278Asp; replaces histidine 1278 with aspartic acid.
Molecular consequence: missense variant. On other transcripts: non-coding transcript variant (1), intron variant (2).
Genome position (GRCh38, 1-based): chr13:32,338,187, C>G. VCF-style: chr13-32338187-C-G. GRCh37 (hg19) VCF-style: chr13-32912324-C-G.
Other names: c.3832C>G, p.His1278Asp (NM_001406719.1, NM_001406720.1, NM_001432077.1); c.1909+4800C>G (NM_001406721.1); c.425-6371C>G (NM_001406722.1); short protein forms H1278D.
Identifiers: ClinVar variation 5033350 (VCV005033350.1).

ClinVar aggregate classification (germline): Uncertain significance (1 of 4 stars; one submission).

Conditions:
Hereditary cancer-predisposing syndrome. Also called: Neoplastic Syndromes, Hereditary; Tumor predisposition; Hereditary neoplastic syndrome; Hereditary Cancer Syndrome. Identifiers: Orphanet 140162, MedGen C0027672, MeSH D009386, MONDO:0015356.

Submission:

Ambry Genetics
Classification: Uncertain significance for Hereditary cancer-predisposing syndrome. Last evaluated: 2026-08-16. Review status: criteria provided, single submitter. Criteria: Ambry Variant Classification Scheme 2023. Collection method: clinical testing. Allele origin: germline.
Comment: The p.H1278D variant (also known as c.3832C>G), located in coding exon 10 of the BRCA2 gene, results from a C to G substitution at nucleotide position 3832. The histidine at codon 1278 is replaced by aspartic acid, an amino acid with similar properties. This amino acid position is conserved. In addition, this alteration is predicted to be tolerated by in silico analysis. Based on the available evidence, the clinical significance of this variant remains unclear.